The following is an entry in ClinVar:

ClinVar aggregate classification (germline): Uncertain significance. Review status: criteria provided, multiple submitters, no conflicts (2 of 4 stars). 4 submissions from 4 submitters: Uncertain significance (3). 1 of the submissions does not count toward it. Last evaluated 2024-09-26.

Conditions:
Familial adenomatous polyposis 1 (FAP1). Also called: POLYPOSIS, ADENOMATOUS INTESTINAL; FAMILIAL ADENOMATOUS POLYPOSIS 1, ATTENUATED. Identifiers: MedGen C2713442, MONDO:0021056, OMIM 175100. Disease mechanism: loss of function.
Hereditary cancer-predisposing syndrome. Also called: Hereditary neoplastic syndrome; Neoplastic Syndromes, Hereditary; Tumor predisposition; Hereditary Cancer Syndrome. Identifiers: Orphanet 140162, MedGen C0027672, MeSH D009386, MONDO:0015356.

Allele frequency attached by ClinVar (database versions not stated): TOPMed below 0.00001.
gnomAD v4.1: 4 of 1,614,074 alleles (0.00025%); highest among the groups gnomAD compares: South Asian, 0.0011%; no homozygotes.

Submissions (4):

Ambry Genetics
Classification: Uncertain significance for Hereditary cancer-predisposing syndrome. Last evaluated: 2024-09-26. Review status: criteria provided, single submitter. Criteria: Ambry Variant Classification Scheme 2023. Collection method: clinical testing. Allele origin: germline.
Comment: The p.V1452L variant (also known as c.4354G>T), located in coding exon 15 of the APC gene, results from a G to T substitution at nucleotide position 4354. The valine at codon 1452 is replaced by leucine, an amino acid with highly similar properties. This amino acid position is not well conserved in available vertebrate species. In addition, in silico predictors for this gene do not accurately predict pathogenicity. Missense alterations in APC are not a common cause of disease (Spier I et al. Genet Med. 2024 Feb;26(2):100992). Based on the available evidence, the clinical significance of this variant remains unclear.

Labcorp Genetics (formerly Invitae), Labcorp
Classification: Uncertain significance for Familial adenomatous polyposis 1. Last evaluated: 2024-05-11. Review status: criteria provided, single submitter. Criteria: Invitae Variant Classification Sherloc (09022015). Collection method: clinical testing. Allele origin: germline.
Comment: This sequence change replaces valine, which is neutral and non-polar, with leucine, which is neutral and non-polar, at codon 1452 of the APC protein (p.Val1452Leu). This variant is not present in population databases (gnomAD no frequency). This variant has not been reported in the literature in individuals affected with APC-related conditions. ClinVar contains an entry for this variant (Variation ID: 469963). Advanced modeling of protein sequence and biophysical properties (such as structural, functional, and spatial information, amino acid conservation, physicochemical variation, residue mobility, and thermodynamic stability) performed at Invitae indicates that this missense variant is not expected to disrupt APC protein function with a negative predictive value of 95%. In summary, the available evidence is currently insufficient to determine the role of this variant in disease. Therefore, it has been classified as a Variant of Uncertain Significance.

Color Diagnostics, LLC DBA Color Health
Classification: Uncertain significance for Hereditary cancer-predisposing syndrome. Last evaluated: 2023-12-05. Review status: criteria provided, single submitter. Criteria: ACMG Guidelines, 2015. Collection method: clinical testing. Allele origin: germline.
Comment: This missense variant replaces valine with leucine at codon 1452 of the APC protein. Computational prediction suggests that this variant may not impact protein structure and function (internally defined REVEL score threshold <= 0.5, PMID: 27666373). To our knowledge, functional studies have not been reported for this variant. This variant has not been reported in individuals affected with APC-related disorders in the literature. This variant has not been identified in the general population by the Genome Aggregation Database (gnomAD). The available evidence is insufficient to determine the role of this variant in disease conclusively. Therefore, this variant is classified as a Variant of Uncertain Significance.

Mayo Clinic Laboratories, Mayo Clinic
Classification: Uncertain significance. Review status: no assertion criteria provided. Collection method: clinical testing. Allele origin: unknown. Not counted in ClinVar's aggregate classification.

NM_000038.6(APC):c.4354G>T (p.Val1452Leu)

Gene: APC (APC regulator of Wnt signaling pathway; plus strand). Cytogenetic location: 5q22.2.
Variant type: single nucleotide variant.
Coding change: c.4354G>T on transcript NM_000038.6 (MANE Select); coding-DNA position 4354, G replaced by T.
Protein change: p.Val1452Leu; replaces valine 1452 with leucine.
Molecular consequence: missense variant.
Genome position (GRCh38, 1-based): chr5:112,839,948, G>T. VCF-style: chr5-112839948-G-T. GRCh37 (hg19) VCF-style: chr5-112175645-G-T.
Other names: c.4354G>T, p.Val1452Leu (NM_001127510.3, NM_001354895.2); c.4300G>T, p.Val1434Leu (NM_001127511.3); c.4408G>T, p.Val1470Leu (NM_001354896.2); c.4384G>T, p.Val1462Leu (NM_001354897.2); c.4279G>T, p.Val1427Leu (NM_001354898.2); c.4270G>T, p.Val1424Leu (NM_001354899.2); c.4231G>T, p.Val1411Leu (NM_001354900.2); c.4177G>T, p.Val1393Leu (NM_001354901.2); and 5 more; short protein forms V1452L, V1434L, V1361L, V1393L, V1470L, V1169L, V1351L, V1292L.
Identifiers: ClinVar variation 469963 (VCV000469963.17), dbSNP rs1172454959, ClinGen allele CA16030869.